The following is an entry in ClinVar:

ClinVar aggregate classification (germline): Uncertain significance (1 of 4 stars; one submission).

Conditions:
Epilepsy, early-onset, vitamin B6-dependent. Also called: PLPBP Deficiency; EPILEPSY, EARLY-ONSET, 1, VITAMIN B6-DEPENDENT. Identifiers: MedGen C4310632, MONDO:0015005, OMIM 617290.

Submission:

Neurogenetics Team, Indira Gandhi Institute of Child Health
Classification: Uncertain significance for Epilepsy, early-onset, vitamin B6-dependent. Last evaluated: 2024-11-14. Review status: criteria provided, single submitter. Criteria: ACMG Guidelines, 2015. Collection method: clinical testing. Allele origin: biparental. Inheritance: Autosomal recessive inheritance. Affected: yes. Observed: 1 homozygote.
Comment: The identified variation, NM_007198.4:c.727G>A is found to be absent in population databases like gnomAD (PM2). Multiple insilico tools indicate the variant to be damaging to the protein function (PP3). The variant has a high CADD score (28.30).

NM_007198.4(PLPBP):c.727G>A (p.Gly243Arg)

Gene: PLPBP (pyridoxal phosphate binding protein; plus strand). Cytogenetic location: 8p11.23.
Variant type: single nucleotide variant.
Coding change: c.727G>A on transcript NM_007198.4 (MANE Select); coding-DNA position 727, G replaced by A.
Protein change: p.Gly243Arg; replaces glycine 243 with arginine.
Molecular consequence: missense variant.
Genome position (GRCh38, 1-based): chr8:37,778,003, G>A. VCF-style: chr8-37778003-G-A. GRCh37 (hg19) VCF-style: chr8-37635521-G-A.
Other names: c.757G>A, p.Gly253Arg (NM_001349346.2); c.721G>A, p.Gly241Arg (NM_001349347.2); c.571G>A, p.Gly191Arg (NM_001349348.2); short protein forms G191R, G241R, G243R, G253R.
Identifiers: ClinVar variation 3383355 (VCV003383355.2).